The following is an entry in ClinVar:

NM_018646.6(TRPV6):c.1330-20T>A

Gene: TRPV6 (transient receptor potential cation channel subfamily V member 6; minus strand). Cytogenetic location: 7q34.
Variant type: single nucleotide variant.
Coding change: c.1330-20T>A on transcript NM_018646.6 (MANE Select); 20 bases into the intron before coding-DNA position 1330, T replaced by A.
Molecular consequence: intron variant.
Genome position (GRCh38, 1-based): chr7:142,875,000, A>T on the plus strand (T>A on the coding strand, the complement: TRPV6 is on the minus strand). VCF-style: chr7-142875000-A-T. GRCh37 (hg19) VCF-style: chr7-142572753-A-T.
Identifiers: ClinVar variation 4732282 (VCV004732282.1).
Genomic context (GRCh38, chr7:142,875,000, plus strand): 5'-CCAAAGAAGCGAGTGACCCCCATTCTGAAGATGTCTGGAACCTGAAGAGGTCAGGGAGAC[A>T]CAAAGGCACTCAGATACCGGAACTTGGGCTGGATTCCTCGGGCAGACAGCCTCACCCAGA-3'

ClinVar aggregate classification (germline): Uncertain significance (1 of 4 stars; one submission).

Submission:

Labcorp Genetics (formerly Invitae), Labcorp
Classification: Uncertain significance. Last evaluated: 2025-12-01. Review status: criteria provided, single submitter. Criteria: Invitae Variant Classification Sherloc (09022015). Collection method: clinical testing. Allele origin: germline.
Comment: This sequence change falls in intron 9 of the TRPV6 gene. It does not directly change the encoded amino acid sequence of the TRPV6 protein. This variant is not present in population databases (gnomAD no frequency). This variant has not been reported in the literature in individuals affected with TRPV6-related conditions. Algorithms developed to predict the effect of sequence changes on RNA splicing suggest that this variant may disrupt the consensus splice site. In summary, the available evidence is currently insufficient to determine the role of this variant in disease. Therefore, it has been classified as a Variant of Uncertain Significance.